The following is an entry in ClinVar:

ClinVar aggregate classification (germline): Pathogenic. Review status: criteria provided, multiple submitters, no conflicts (2 of 4 stars). 2 submissions from 2 submitters: Pathogenic (2). Last evaluated 2020-03-29.

Conditions:
Hereditary cancer-predisposing syndrome. Also called: Hereditary neoplastic syndrome; Tumor predisposition; Hereditary Cancer Syndrome; Neoplastic Syndromes, Hereditary. Identifiers: Orphanet 140162, MedGen C0027672, MeSH D009386, MONDO:0015356.
Hereditary breast ovarian cancer syndrome. Also called: Hereditary breast and/or ovarian cancer syndrome; BRCA1- and BRCA2-Associated Hereditary Breast and Ovarian Cancer; Breast and ovarian cancer; Hereditary breast and ovarian cancer; Hereditary breast and ovarian cancer syndrome; Hereditary breast and ovarian cancer syndrome (HBOC). Identifiers: Orphanet 145, MedGen C0677776, MeSH D061325, MONDO:0003582. Disease mechanism: loss of function.

Submissions (2):

Labcorp Genetics (formerly Invitae), Labcorp
Classification: Pathogenic for Hereditary breast ovarian cancer syndrome. Last evaluated: 2020-03-29. Review status: criteria provided, single submitter. Criteria: Invitae Variant Classification Sherloc (09022015). Collection method: clinical testing. Allele origin: germline.
Comment: For these reasons, this variant has been classified as Pathogenic. Loss-of-function variants in BRCA2 are known to be pathogenic (PMID: 20104584). Algorithms developed to predict the effect of sequence changes on RNA splicing suggest that this variant may create or strengthen a splice site, but this prediction has not been confirmed by published transcriptional studies. This variant has not been reported in the literature in individuals with BRCA2-related conditions. ClinVar contains an entry for this variant (Variation ID: 491343). This variant is not present in population databases (ExAC no frequency). This sequence change creates a premature translational stop signal (p.Glu2677*) in the BRCA2 gene. It is expected to result in an absent or disrupted protein product.

Color Diagnostics, LLC DBA Color Health
Classification: Pathogenic for Hereditary cancer-predisposing syndrome. Last evaluated: 2020-02-27. Review status: criteria provided, single submitter. Criteria: ACMG Guidelines, 2015. Collection method: clinical testing. Allele origin: germline.
Comment: This variant changes 1 nucleotide in exon 18 of the BRCA2 gene, creating a premature translation stop signal. This variant is expected to result in an absent or non-functional protein product. To our knowledge, this variant has not been reported in individuals affected with hereditary cancer in the literature. This variant has not been identified in the general population by the Genome Aggregation Database (gnomAD). Loss of BRCA2 function is a known mechanism of disease. Based on the available evidence, this variant is classified as Pathogenic.

Literature cited by the submitters: PubMed 20104584 (cited by Labcorp Genetics (formerly Invitae), Labcorp).

NM_000059.4(BRCA2):c.8029G>T (p.Glu2677Ter)

Gene: BRCA2 (BRCA2 DNA repair associated; plus strand). Cytogenetic location: 13q13.1.
Variant type: single nucleotide variant.
Coding change: c.8029G>T on transcript NM_000059.4 (MANE Select); coding-DNA position 8029, G replaced by T.
Protein change: p.Glu2677Ter; replaces glutamic acid 2677 with a stop codon.
Molecular consequence: nonsense.
Genome position (GRCh38, 1-based): chr13:32,363,231, G>T. VCF-style: chr13-32363231-G-T. GRCh37 (hg19) VCF-style: chr13-32937368-G-T.
Other names: short protein forms E2677*.
Identifiers: ClinVar variation 491343 (VCV000491343.11), dbSNP rs1555286958, ClinGen allele CA387748934.